The following is an entry in ClinVar:

ClinVar aggregate classification (germline): Likely pathogenic (1 of 4 stars; one submission).

Conditions:
Familial hemiplegic migraine. Identifiers: MedGen C0338484, MONDO:0000700.

Allele frequency attached by ClinVar (database versions not stated): ExAC below 0.00001.

Submission:

Labcorp Genetics (formerly Invitae), Labcorp
Classification: Likely pathogenic for Familial hemiplegic migraine. Last evaluated: 2024-01-19. Review status: criteria provided, single submitter. Criteria: Invitae Variant Classification Sherloc (09022015). Collection method: clinical testing. Allele origin: germline.
Comment: This sequence change affects an acceptor splice site in intron 5 of the ATP1A2 gene. It is expected to disrupt RNA splicing. Variants that disrupt the donor or acceptor splice site typically lead to a loss of protein function (PMID: 16199547), and loss-of-function variants in ATP1A2 are known to be pathogenic (PMID: 30690204). This variant is not present in population databases (gnomAD no frequency). This variant has not been reported in the literature in individuals affected with ATP1A2-related conditions. ClinVar contains an entry for this variant (Variation ID: 972074). Algorithms developed to predict the effect of sequence changes on RNA splicing suggest that this variant may disrupt the consensus splice site. In summary, the currently available evidence indicates that the variant is pathogenic, but additional data are needed to prove that conclusively. Therefore, this variant has been classified as Likely Pathogenic.

Literature cited by the submitters: PubMed 16199547; PubMed 30690204.

NM_000702.4(ATP1A2):c.496-1G>A

Genes: ATP1A2 (ATPase Na+/K+ transporting subunit alpha 2; plus strand), LOC126805890 (CDK7 strongly-dependent group 2 enhancer GRCh37_chr1:160093987-160095186; plus strand). Cytogenetic location: 1q23.2.
Variant type: single nucleotide variant.
Coding change: c.496-1G>A on transcript NM_000702.4 (MANE Select); the canonical splice acceptor site of the intron before coding-DNA position 496, G replaced by A.
Molecular consequence: splice acceptor variant.
Genome position (GRCh38, 1-based): chr1:160,124,295, G>A. VCF-style: chr1-160124295-G-A. GRCh37 (hg19) VCF-style: chr1-160094085-G-A.
Identifiers: ClinVar variation 972074 (VCV000972074.8), dbSNP rs773117459, ClinGen allele CA1194207.
Genomic context (GRCh38, chr1:160,124,295, plus strand): 5'-GCAGGAGAAGAAGGCAGGGGCAGAGACAAGCATTTCATGAGCTGCCTGTGGCTCCCCACA[G>A]CAAGCCCTTGTGATCCGGGAGGGAGAGAAGATGCAGATCAACGCAGAGGAAGTGGTGGTG-3'